The following is an entry in ClinVar:

ClinVar aggregate classification (germline): Uncertain significance (1 of 4 stars; one submission).

gnomAD v4.1: 2 of 1,613,818 alleles (0.00012%); highest among the groups gnomAD compares: Non-Finnish European, 0.00017%; no homozygotes.

Submission:

Labcorp Genetics (formerly Invitae), Labcorp
Classification: Uncertain significance. Last evaluated: 2024-09-04. Review status: criteria provided, single submitter. Criteria: Invitae Variant Classification Sherloc (09022015). Collection method: clinical testing. Allele origin: germline.
Comment: This sequence change replaces arginine, which is basic and polar, with glutamine, which is neutral and polar, at codon 321 of the SMAD2 protein (p.Arg321Gln). This variant is not present in population databases (gnomAD no frequency). This missense change has been observed in individual(s) with clinical features of SMAD2-related conditions (internal data). Invitae Evidence Modeling of protein sequence and biophysical properties (such as structural, functional, and spatial information, amino acid conservation, physicochemical variation, residue mobility, and thermodynamic stability) indicates that this missense variant is expected to disrupt SMAD2 protein function with a positive predictive value of 80%. Experimental studies have shown that this missense change affects SMAD2 function (PMID: 16828225). In summary, the available evidence is currently insufficient to determine the role of this variant in disease. Therefore, it has been classified as a Variant of Uncertain Significance.

Literature cited by the submitters: PubMed 16828225.

NM_005901.6(SMAD2):c.962G>A (p.Arg321Gln)

Gene: SMAD2 (SMAD family member 2; minus strand). Cytogenetic location: 18q21.1.
Variant type: single nucleotide variant.
Coding change: c.962G>A on transcript NM_005901.6 (MANE Select); coding-DNA position 962, G replaced by A.
Protein change: p.Arg321Gln; replaces arginine 321 with glutamine.
Molecular consequence: missense variant.
Genome position (GRCh38, 1-based): chr18:47,848,510, C>T on the plus strand (G>A on the coding strand, the complement: SMAD2 is on the minus strand). VCF-style: chr18-47848510-C-T. GRCh37 (hg19) VCF-style: chr18-45374881-C-T.
Other names: c.962G>A, p.Arg321Gln (NM_001003652.4); c.872G>A, p.Arg291Gln (NM_001135937.3); short protein forms R291Q, R321Q.
Identifiers: ClinVar variation 3615568 (VCV003615568.2).